The following is an entry in ClinVar:

NC_012920.1(MT-CYB):m.15261G>A

Gene: MT-CYB (mitochondrially encoded cytochrome b; plus strand).
Variant type: single nucleotide variant.
Genome position: chrM-15261-G-A.
Identifiers: ClinVar variation 693855 (VCV000693855.1), dbSNP rs1556424551, ClinGen allele CA913173383.

ClinVar aggregate classification (germline): Benign (1 of 4 stars; one submission).

Conditions:
Leigh syndrome (NULS). Also called: Leigh's necrotizing encephalopathy; Leigh's disease; Leigh's syndrome; LEIGH SYNDROME, NUCLEAR; Leigh Syndrome (mtDNA deletion); Leigh Disease. Identifiers: Orphanet 506, MedGen C2931891, MONDO:0009723, OMIM 256000.

Submission:

Wong Mito Lab, Molecular and Human Genetics, Baylor College of Medicine
Classification: Benign for Leigh syndrome. Last evaluated: 2019-10-17. Review status: criteria provided, single submitter. Criteria: Modified ACMG Guidelines (Unpublished). Collection method: clinical testing. Allele origin: germline.
Comment: The NC_012920.1:m.15261G>A (YP_003024038.1:p.Ser172Asn) variant in MTCYB gene is interpretated to be a Benign variant based on the modified ACMG guidelines (unpublished). This variant meets the following evidence codes: BS1, BS2, BP4